The following is an entry in ClinVar:

ClinVar aggregate classification (germline): Uncertain significance. Review status: criteria provided, multiple submitters, no conflicts (2 of 4 stars). 3 submissions from 3 submitters: Uncertain significance (3). Last evaluated 2025-03-31.

Conditions:
Left-right axis malformations. Identifiers: MedGen C1866091.

Allele frequency attached by ClinVar (database versions not stated): gnomAD exomes 0.00001 and 0.00004; gnomAD 0.00003 and 0.00004; TOPMed 0.00004; ExAC 0.00006.
gnomAD v4.1: 21 of 1,613,574 alleles (0.0013%); highest among the groups gnomAD compares: East Asian, 0.0045%; no homozygotes.

Submissions (3):

Labcorp Genetics (formerly Invitae), Labcorp
Classification: Uncertain significance for Left-right axis malformations. Last evaluated: 2025-03-31. Review status: criteria provided, single submitter. Criteria: Invitae Variant Classification Sherloc (09022015). Collection method: clinical testing. Allele origin: germline.
Comment: This sequence change replaces arginine, which is basic and polar, with glycine, which is neutral and non-polar, at codon 243 of the LEFTY2 protein (p.Arg243Gly). This variant is present in population databases (rs748117464, gnomAD 0.007%). This variant has not been reported in the literature in individuals affected with LEFTY2-related conditions. ClinVar contains an entry for this variant (Variation ID: 295970). Invitae Evidence Modeling of protein sequence and biophysical properties (such as structural, functional, and spatial information, amino acid conservation, physicochemical variation, residue mobility, and thermodynamic stability) indicates that this missense variant is not expected to disrupt LEFTY2 protein function with a negative predictive value of 80%. In summary, the available evidence is currently insufficient to determine the role of this variant in disease. Therefore, it has been classified as a Variant of Uncertain Significance.

Ambry Genetics
Classification: Uncertain significance. Last evaluated: 2025-01-01. Review status: criteria provided, single submitter. Criteria: Ambry Variant Classification Scheme 2023. Collection method: clinical testing. Allele origin: germline.

Illumina Laboratory Services, Illumina
Classification: Uncertain significance for Left-right axis malformations. Last evaluated: 2018-01-13. Review status: criteria provided, single submitter. Criteria: ICSL Variant Classification Criteria 13 December 2019. Collection method: clinical testing. Allele origin: germline.

NM_003240.5(LEFTY2):c.727A>G (p.Arg243Gly)

Gene: LEFTY2 (left-right determination factor 2; minus strand). Cytogenetic location: 1q42.12.
Variant type: single nucleotide variant.
Coding change: c.727A>G on transcript NM_003240.5 (MANE Select); coding-DNA position 727, A replaced by G.
Protein change: p.Arg243Gly; replaces arginine 243 with glycine.
Molecular consequence: missense variant.
Genome position (GRCh38, 1-based): chr1:225,939,371, T>C on the plus strand (A>G on the coding strand, the complement: LEFTY2 is on the minus strand). VCF-style: chr1-225939371-T-C. GRCh37 (hg19) VCF-style: chr1-226127071-T-C.
Other names: c.625A>G, p.Arg209Gly (NM_001172425.3); short protein forms R243G, R209G.
Identifiers: ClinVar variation 295970 (VCV000295970.16), dbSNP rs748117464, ClinGen allele CA1420507.